The following is an entry in ClinVar:

NM_002336.3(LRP6):c.4078T>C (p.Cys1360Arg)

Gene: LRP6 (LDL receptor related protein 6; minus strand). Cytogenetic location: 12p13.2.
Variant type: single nucleotide variant.
Coding change: c.4078T>C on transcript NM_002336.3 (MANE Select); coding-DNA position 4078, T replaced by C.
Protein change: p.Cys1360Arg; replaces cysteine 1360 with arginine.
Molecular consequence: missense variant. On other transcripts: non-coding transcript variant (1).
Genome position (GRCh38, 1-based): chr12:12,130,786, A>G on the plus strand (T>C on the coding strand, the complement: LRP6 is on the minus strand). VCF-style: chr12-12130786-A-G. GRCh37 (hg19) VCF-style: chr12-12283720-A-G.
Other names: c.4171T>C, p.Cys1391Arg (NM_001414244.1); c.4078T>C, p.Cys1360Arg (NM_001414245.1, NM_001414248.1, NM_001414249.1 and 1 more transcripts); c.3943T>C, p.Cys1315Arg (NM_001414246.1); c.3880T>C, p.Cys1294Arg (NM_001414247.1); c.3715T>C, p.Cys1239Arg (NM_001414251.1); c.3625T>C, p.Cys1209Arg (NM_001414252.1, NM_001414253.1, NM_001414254.1); c.3571T>C, p.Cys1191Arg (NM_001414255.1); short protein forms C1191R, C1239R, C1294R, C1315R, C1209R, C1360R, C1391R.
Identifiers: ClinVar variation 3679317 (VCV003679317.2).

ClinVar aggregate classification (germline): Uncertain significance (1 of 4 stars; one submission).

Submission:

Labcorp Genetics (formerly Invitae), Labcorp
Classification: Uncertain significance. Last evaluated: 2024-07-31. Review status: criteria provided, single submitter. Criteria: Invitae Variant Classification Sherloc (09022015). Collection method: clinical testing. Allele origin: germline.
Comment: This sequence change replaces cysteine, which is neutral and slightly polar, with arginine, which is basic and polar, at codon 1360 of the LRP6 protein (p.Cys1360Arg). This variant is not present in population databases (gnomAD no frequency). This variant has not been reported in the literature in individuals affected with LRP6-related conditions. An algorithm developed to predict the effect of missense changes on protein structure and function (PolyPhen-2) suggests that this variant is likely to be disruptive. In summary, the available evidence is currently insufficient to determine the role of this variant in disease. Therefore, it has been classified as a Variant of Uncertain Significance.